The following is an entry in ClinVar:

NM_004260.4(RECQL4):c.2079A>C (p.Gln693His)

Gene: RECQL4 (RecQ like helicase 4; minus strand). Cytogenetic location: 8q24.3.
Variant type: single nucleotide variant.
Coding change: c.2079A>C on transcript NM_004260.4 (MANE Select); coding-DNA position 2079, A replaced by C.
Protein change: p.Gln693His; replaces glutamine 693 with histidine.
Molecular consequence: missense variant. On other transcripts: non-coding transcript variant (2).
Genome position (GRCh38, 1-based): chr8:144,513,692, T>G on the plus strand (A>C on the coding strand, the complement: RECQL4 is on the minus strand). VCF-style: chr8-144513692-T-G. GRCh37 (hg19) VCF-style: chr8-145739076-T-G.
Other names: c.942A>C, p.Gln314His (NM_001413027.1, NM_001413030.1, NM_001413032.1 and 1 more transcripts); c.1008A>C, p.Gln336His (NM_001413028.1, NM_001413034.1, NM_001413035.1 and 6 more transcripts); c.1728A>C, p.Gln576His (NM_001413029.1); c.810A>C, p.Gln270His (NM_001413031.1); c.1947A>C, p.Gln649His (NM_001413033.1); c.2079A>C, p.Gln693His (NM_001413036.1, NM_001413018.1, NM_001413019.1); c.876A>C, p.Gln292His (NM_001413037.1); c.2049A>C, p.Gln683His (NM_001413039.1); and 4 more; short protein forms Q204H, Q292H, Q326H, Q693H, Q576H, Q336H, Q649H, Q683H.
Identifiers: ClinVar variation 4825860 (VCV004825860.1).

ClinVar aggregate classification (germline): Uncertain significance (1 of 4 stars; one submission).

Conditions:
Inborn genetic diseases. Identifiers: MedGen C0950123, MeSH D030342.

Submission:

Ambry Genetics
Classification: Uncertain significance for Inborn genetic diseases. Last evaluated: 2026-02-23. Review status: criteria provided, single submitter. Criteria: Ambry Variant Classification Scheme 2023. Collection method: clinical testing. Allele origin: germline.
Comment: The p.Q693H variant (also known as c.2079A>C), located in coding exon 13 of the RECQL4 gene, results from an A to C substitution at nucleotide position 2079. The glutamine at codon 693 is replaced by histidine, an amino acid with highly similar properties. This amino acid position is conserved. In addition, this alteration is predicted to be tolerated by in silico analysis. Based on the available evidence, the clinical significance of this variant remains unclear.